The following is an entry in ClinVar:

ClinVar aggregate classification (germline): Uncertain significance. Review status: criteria provided, multiple submitters, no conflicts (2 of 4 stars). 2 submissions from 2 submitters: Uncertain significance (2). Last evaluated 2026-06-19.

Conditions:
Congenital myotonia, autosomal dominant form (THD). Also called: THOMSEN DISEASE; Myotonia congenita autosomal dominant. Identifiers: Orphanet 614, MedGen C2936781, MONDO:0008055, OMIM 160800.
Congenital myotonia, autosomal recessive form. Also called: BECKER DISEASE; Becker Generalized Myotonia; myotonia congenita, autosomal recessive. Identifiers: Orphanet 614, MedGen C0751360, MONDO:0009715, OMIM 255700.

Allele frequency attached by ClinVar (database versions not stated): TOPMed 0.00001.
gnomAD v4.1: 8 of 1,552,554 alleles (0.00052%); highest among the groups gnomAD compares: Non-Finnish European, 0.0007%; no homozygotes.

Submissions (2):

Women's Health and Genetics/Laboratory Corporation of America, LabCorp
Classification: Uncertain significance. Last evaluated: 2026-06-19. Review status: criteria provided, single submitter. Criteria: LabCorp Variant Classification Summary - May 2015. Collection method: clinical testing. Allele origin: germline.
Comment: Variant summary: CLCN1 c.2005C>T (p.Arg669Cys) results in a non-conservative amino acid change in the encoded protein sequence. Algorithms developed to predict the effect of missense changes on protein structure and function all suggest that this variant is likely to be disruptive. The frequency data for this variant in gnomAD is considered unreliable, as metrics indicate poor data quality at this position. c.2005C>T has been observed in individual(s) affected with CLCN1-related conditions (e.g. Suetterlin_2022, deDiego_1999). These data do not allow any conclusion about variant significance. At least one publication reports experimental evidence evaluating an impact on protein function, however, does not allow convincing conclusions about the variant effect (Suetterlin_2022). The following publications have been ascertained in the context of this evaluation (PMID: 34529042, 10525982). ClinVar contains an entry for this variant (Variation ID: 2925429). Based on the evidence outlined above, the variant was classified as uncertain significance.

Labcorp Genetics (formerly Invitae), Labcorp
Classification: Uncertain significance for Congenital myotonia, autosomal recessive form; Congenital myotonia, autosomal dominant form. Last evaluated: 2023-11-24. Review status: criteria provided, single submitter. Criteria: Invitae Variant Classification Sherloc (09022015). Collection method: clinical testing. Allele origin: germline.
Comment: This sequence change replaces arginine, which is basic and polar, with cysteine, which is neutral and slightly polar, at codon 669 of the CLCN1 protein (p.Arg669Cys). This variant is not present in population databases (gnomAD no frequency). This missense change has been observed in individuals with clinical features of myotonia congenita (PMID: 10525982; Invitae). Advanced modeling of protein sequence and biophysical properties (such as structural, functional, and spatial information, amino acid conservation, physicochemical variation, residue mobility, and thermodynamic stability) has been performed at Invitae for this missense variant, however the output from this modeling did not meet the statistical confidence thresholds required to predict the impact of this variant on CLCN1 protein function. Experimental studies have shown that this missense change does not substantially affect CLCN1 function (PMID: 34529042). In summary, the available evidence is currently insufficient to determine the role of this variant in disease. Therefore, it has been classified as a Variant of Uncertain Significance.

Literature cited by the submitters: PubMed 34529042 (cited by Women's Health and Genetics/Laboratory Corporation of America, LabCorp and Labcorp Genetics (formerly Invitae), Labcorp); PubMed 10525982 (cited by Women's Health and Genetics/Laboratory Corporation of America, LabCorp and Labcorp Genetics (formerly Invitae), Labcorp).

NM_000083.3(CLCN1):c.2005C>T (p.Arg669Cys)

Genes: CLCN1 (chloride voltage-gated channel 1; plus strand), LOC123956257 (Sharpr-MPRA regulatory region 4117; plus strand). Cytogenetic location: 7q34.
Variant type: single nucleotide variant.
Coding change: c.2005C>T on transcript NM_000083.3 (MANE Select); coding-DNA position 2005, C replaced by T.
Protein change: p.Arg669Cys; replaces arginine 669 with cysteine.
Molecular consequence: missense variant. On other transcripts: non-coding transcript variant (1).
Genome position (GRCh38, 1-based): chr7:143,345,595, C>T. VCF-style: chr7-143345595-C-T. GRCh37 (hg19) VCF-style: chr7-143042688-C-T.
Other names: short protein forms R669C.
Identifiers: ClinVar variation 2925429 (VCV002925429.4), dbSNP rs748537564, ClinGen allele CA168226436.